The following is an entry in ClinVar:

ClinVar aggregate classification (germline): Pathogenic (1 of 4 stars; one submission).

Conditions:
Familial adenomatous polyposis 1 (FAP1). Also called: POLYPOSIS, ADENOMATOUS INTESTINAL; FAMILIAL ADENOMATOUS POLYPOSIS 1, ATTENUATED. Identifiers: MedGen C2713442, MONDO:0021056, OMIM 175100. Disease mechanism: loss of function.

Submission:

Labcorp Genetics (formerly Invitae), Labcorp
Classification: Pathogenic for Familial adenomatous polyposis 1. Last evaluated: 2020-07-21. Review status: criteria provided, single submitter. Criteria: Invitae Variant Classification Sherloc (09022015). Collection method: clinical testing. Allele origin: germline.
Comment: This sequence change creates a premature translational stop signal (p.Met330Asnfs*10) in the APC gene. It is expected to result in an absent or disrupted protein product. This variant is not present in population databases (ExAC no frequency). This variant has not been reported in the literature in individuals with APC-related conditions. Loss-of-function variants in APC are known to be pathogenic (PMID: 17963004, 20685668). For these reasons, this variant has been classified as Pathogenic.

Literature cited by the submitters: PubMed 17963004; PubMed 20685668.

NM_000038.6(APC):c.988dup (p.Met330fs)

Gene: APC (APC regulator of Wnt signaling pathway; plus strand). Cytogenetic location: 5q22.2.
Variant type: Duplication.
Coding change: c.988dup on transcript NM_000038.6 (MANE Select); coding-DNA position 988, one base duplicated (A; older notation c.988dupA).
Protein change: p.Met330fs; shifts the reading frame from methionine 330.
Molecular consequence: frameshift variant. On other transcripts: intron variant (4).
Genome position (GRCh38, 1-based): chr5:112,819,020, A duplicated. VCF-style (leftmost placement, unchanged base first): chr5-112819019-T-TA. GRCh37 (hg19) VCF-style: chr5-112154716-T-TA.
Other names: c.988dup, p.Met330fs (NM_001127510.3, NM_001354895.2, NM_001354896.2); c.934dup, p.Met312fs (NM_001127511.3); c.1018dup, p.Met340fs (NM_001354897.2); c.913dup, p.Met305fs (NM_001354898.2); c.904dup, p.Met302fs (NM_001354899.2); c.811dup, p.Met271fs (NM_001354900.2, NM_001354901.2); c.139dup, p.Met47fs (NM_001354906.2); c.964-249dup (NM_001354902.2); and 3 more; short protein forms M271fs, M302fs, M305fs, M312fs, M330fs, M340fs, M47fs.
Identifiers: ClinVar variation 1074187 (VCV001074187.8), dbSNP rs2149779431, ClinGen allele CA2499217446.